The following is an entry in ClinVar:

NM_015910.7(WDPCP):c.1658C>G (p.Ala553Gly)

Gene: WDPCP (WD repeat containing planar cell polarity effector; minus strand). Cytogenetic location: 2p15.
Variant type: single nucleotide variant.
Coding change: c.1658C>G on transcript NM_015910.7 (MANE Select); coding-DNA position 1658, C replaced by G.
Protein change: p.Ala553Gly; replaces alanine 553 with glycine.
Molecular consequence: missense variant. On other transcripts: non-coding transcript variant (3).
Genome position (GRCh38, 1-based): chr2:63,378,476, G>C on the plus strand (C>G on the coding strand, the complement: WDPCP is on the minus strand). VCF-style: chr2-63378476-G-C. GRCh37 (hg19) VCF-style: chr2-63605611-G-C.
Other names: c.1181C>G, p.Ala394Gly (NM_001042692.3); c.1586C>G, p.Ala529Gly (NM_001354044.2); c.1658C>G, p.Ala553Gly (NM_001354045.2); short protein forms A394G, A529G, A553G.
Identifiers: ClinVar variation 4995244 (VCV004995244.1).
Genomic context (GRCh38, chr2:63,378,476, plus strand): 5'-TATTTGCTGATTTGATCTCTATATTCCAATATAGTGGAATCCAGAAGTGGTCTTGTTGGA[G>C]CATAGAAGGTTCCAAGGCTTGTCTCAAGCTGTGCTGTGGAATTCAAACATAGCAGCACTA-3'
Protein context (NP_056994.3, residues 543-563): QLETSLGTFY[Ala553Gly]PTRPLLDSTI

ClinVar aggregate classification (germline): Uncertain significance (1 of 4 stars; one submission).

Conditions:
WDPCP-related disorder. Also called: WDPCP-related condition.

Submission:

PreventionGenetics, part of Exact Sciences
Classification: Uncertain significance for WDPCP-related condition. Last evaluated: 2026-03-20. Review status: criteria provided, single submitter. Criteria: ACMG Guidelines, 2015. Collection method: clinical testing. Allele origin: germline.
Comment: The WDPCP c.1658C>G variant is predicted to result in the amino acid substitution p.Ala553Gly. To our knowledge, this variant has not been reported in the literature or in a large population database (gnomAD), indicating this variant is rare. At this time, the clinical significance of this variant is uncertain due to the absence of conclusive functional and genetic evidence.